The following is an entry in ClinVar:

NM_170784.3(MKKS):c.1008A>G (p.Leu336=)

Gene: MKKS (MKKS centrosomal shuttling protein; minus strand). Cytogenetic location: 20p12.2.
Variant type: single nucleotide variant.
Coding change: c.1008A>G on transcript NM_170784.3 (MANE Select); coding-DNA position 1008, A replaced by G.
Protein change: p.Leu336=; no amino-acid change (leucine 336 retained).
Molecular consequence: synonymous variant. On other transcripts: non-coding transcript variant (1).
Genome position (GRCh38, 1-based): chr20:10,408,781, T>C on the plus strand (A>G on the coding strand, the complement: MKKS is on the minus strand). VCF-style: chr20-10408781-T-C. GRCh37 (hg19) VCF-style: chr20-10389429-T-C.
Other names: c.1008A>G, p.Leu336= (NM_018848.3).
Identifiers: ClinVar variation 1556922 (VCV001556922.9), dbSNP rs973676101, ClinGen allele CA311320772.

ClinVar aggregate classification (germline): Likely benign. Review status: criteria provided, single submitter (1 of 4 stars). 2 submissions from 2 submitters: Likely benign (1). 1 of the submissions does not count toward it. Last evaluated 2022-10-05.

Conditions:
Bardet-Biedl syndrome (BBS). Identifiers: Orphanet 110, MedGen C0752166, MONDO:0015229.
McKusick-Kaufman syndrome (MKKS). Also called: HYDROMETROCOLPOS SYNDROME; HYDROMETROCOLPOS, POSTAXIAL POLYDACTYLY, AND CONGENITAL HEART MALFORMATION. Identifiers: Orphanet 2473, MedGen C0948368, MONDO:0009367, OMIM 236700.
MKKS-related disorder. Also called: MKKS-related condition; MKKS-related disorders.

Submissions (2):

Labcorp Genetics (formerly Invitae), Labcorp
Classification: Likely benign for McKusick-Kaufman syndrome; Bardet-Biedl syndrome. Last evaluated: 2022-10-05. Review status: criteria provided, single submitter. Criteria: Invitae Variant Classification Sherloc (09022015). Collection method: clinical testing. Allele origin: germline.

PreventionGenetics, part of Exact Sciences
Classification: Likely benign for MKKS-related condition. Last evaluated: 2022-11-03. Review status: no assertion criteria provided. Collection method: clinical testing. Allele origin: germline. Not counted in ClinVar's aggregate classification.
Comment: This variant is classified as likely benign based on ACMG/AMP sequence variant interpretation guidelines (Richards et al. 2015 PMID: 25741868, with internal and published modifications).